The following is an entry in ClinVar:

ClinVar aggregate classification (germline): Uncertain significance (1 of 4 stars; one submission).

Conditions:
Alzheimer disease 3 (AD3). Also called: ALZHEIMER DISEASE, FAMILIAL, 3. Identifiers: Orphanet 1020, MedGen C1843013, MONDO:0011913, OMIM 607822.
Frontotemporal dementia (FTD1). Also called: Frontotemporal Dementia with Parkinsonism-17 (FTDP-17); MULTIPLE SYSTEM TAUOPATHY WITH PRESENILE DEMENTIA; WILHELMSEN-LYNCH DISEASE; Dementia, frontotemporal, with or without parkinsonism; Frontotemporal lobe dementia (FLDEM); FRONTOTEMPORAL LOBAR DEGENERATION WITH TAU INCLUSIONS. Identifiers: Orphanet 282, MedGen C0338451, MONDO:0017276, OMIM 600274, HP:0002145.

Submission:

Foundation for Research in Genetics and Endocrinology, FRIGE's Institute of Human Genetics
Classification: Uncertain significance for Alzheimer disease 3; Frontotemporal dementia. Last evaluated: 2019-06-27. Review status: criteria provided, single submitter. Criteria: ACMG Guidelines, 2015. Collection method: clinical testing. Allele origin: germline. Inheritance: Autosomal dominant inheritance. Affected: yes. Observed: 1 heterozygote.
Comment: A heterozygous variant c.517_519delTTG (p.Leu174del) in Exon-6 has been observed in the PSEN1 gene. The variant has not been reported in the 1000 genomes and ExAC databases. The in-silico predictions of the variant are probably damaging by MutationTaster2. In summary, the said variant meets our criteria to be classified as uncertain significance based on the mode of inheritance, in silico prediction, allele frequency in population databases and lack of segregation study.

NM_000021.4(PSEN1):c.514TTG[1] (p.Leu174del)

Gene: PSEN1 (presenilin 1; plus strand). Cytogenetic location: 14q24.2.
Variant type: Microsatellite.
Coding change: c.514TTG[1] on transcript NM_000021.4 (MANE Select); one copy of the 3-base unit TTG starting at c.514; the reference has two copies in a row; one copy, 3 bases deleted.
Protein change: p.Leu174del; deletes leucine 174.
Molecular consequence: inframe deletion.
Genome position (GRCh38, 1-based): chr14:73,186,889-73,186,891, TTG deleted; deleting any 3 consecutive bases within chr14:73,186,886-73,186,891 gives the same sequence; the position shown is the placement nearest the transcript's 3' end. VCF-style (leftmost placement, unchanged base first): chr14-73186885-ATTG-A. GRCh37 (hg19) VCF-style: chr14-73653593-ATTG-A.
Other names: c.502TTG[1], p.Leu170del (NM_007318.3); c.517_519delTTG (NM_000021.4); short protein forms L170del, L174del.
Identifiers: ClinVar variation 689483 (VCV000689483.3), dbSNP rs1595026031, ClinGen allele CA915948844.
Genomic context (GRCh38, chr14:73,186,885, plus strand): 5'-AATTATATTGAAATGCTTTCTTTTCTAGGTCATCCATGCCTGGCTTATTATATCATCTCT[ATTG>A]TTGCTGTTCTTTTTTTCATTCATTTACTTGGGGTAAGTTGTGAAATTTTTGGTCTGTCTT-3'